The following is an entry in ClinVar:

NM_001252024.2(TRPM1):c.1937G>A (p.Arg646His)

Gene: TRPM1 (transient receptor potential cation channel subfamily M member 1; minus strand). Cytogenetic location: 15q13.3.
Variant type: single nucleotide variant.
Coding change: c.1937G>A on transcript NM_001252024.2 (MANE Select); coding-DNA position 1937, G replaced by A.
Protein change: p.Arg646His; replaces arginine 646 with histidine.
Molecular consequence: missense variant.
Genome position (GRCh38, 1-based): chr15:31,042,101, C>T on the plus strand (G>A on the coding strand, the complement: TRPM1 is on the minus strand). VCF-style: chr15-31042101-C-T. GRCh37 (hg19) VCF-style: chr15-31334304-C-T.
Other names: c.1988G>A, p.Arg663His (NM_001252020.2); c.1871G>A, p.Arg624His (NM_002420.6); c.1988G>A (NM_001252020.1); short protein forms R624H, R663H, R646H.
Identifiers: ClinVar variation 847809 (VCV000847809.11), dbSNP rs373203358, ClinGen allele CA7452361.

ClinVar aggregate classification (germline): Likely pathogenic. Review status: criteria provided, multiple submitters, no conflicts (2 of 4 stars). 3 submissions from 3 submitters: Likely pathogenic (3). Last evaluated 2024-12-16.

Conditions:
TRPM1-related disorder. Also called: TRPM1-related condition.

Allele frequency attached by ClinVar (database versions not stated): gnomAD 0.00003; TOPMed 0.00003; ExAC 0.00004; ESP Exome Variant Server 0.00008.
gnomAD v4.1: 208 of 1,614,090 alleles (0.013%); highest among the groups gnomAD compares: Non-Finnish European, 0.017%; no homozygotes.

Submissions (3):

PreventionGenetics, part of Exact Sciences
Classification: Likely pathogenic for TRPM1-related condition. Last evaluated: 2024-12-16. Review status: criteria provided, single submitter. Criteria: ACMG Guidelines, 2015. Collection method: clinical testing. Allele origin: germline.
Comment: The TRPM1 c.1988G>A variant is predicted to result in the amino acid substitution p.Arg663His. This variant is also known as c.1871G>A, p.(Arg624His) in an alternate transcript (NM_002420). This variant has been reported in individuals with congenital stationary night blindness (Utz et al. 2018. PubMed ID: 29522070; Zeitz et al. 2015. PubMed ID: 25307992). This variant is reported in 0.012% of alleles in individuals of European (Non-Finnish) descent in gnomAD. A different variant affecting the same amino acid (p.Arg663Cys) has been reported in the compound heterozygous state along with a second causative TRPM1 variant in individuals with congenital stationary night blindness (Nakamura et al. 2010. PubMed ID: 20300565). This variant is interpreted as likely pathogenic.

Labcorp Genetics (formerly Invitae), Labcorp
Classification: Likely pathogenic. Last evaluated: 2024-05-21. Review status: criteria provided, single submitter. Criteria: Invitae Variant Classification Sherloc (09022015). Collection method: clinical testing. Allele origin: germline.
Comment: This sequence change replaces arginine, which is basic and polar, with histidine, which is basic and polar, at codon 624 of the TRPM1 protein (p.Arg624His). This variant is present in population databases (rs373203358, gnomAD 0.01%). This missense change has been observed in individual(s) with congenital stationary night blindness (PMID: 29522070). In at least one individual the data is consistent with being in trans (on the opposite chromosome) from a pathogenic variant. ClinVar contains an entry for this variant (Variation ID: 847809). Advanced modeling of protein sequence and biophysical properties (such as structural, functional, and spatial information, amino acid conservation, physicochemical variation, residue mobility, and thermodynamic stability) has been performed at Invitae for this missense variant, however the output from this modeling did not meet the statistical confidence thresholds required to predict the impact of this variant on TRPM1 protein function. This variant disrupts the p.Arg624 amino acid residue in TRPM1. Other variant(s) that disrupt this residue have been determined to be pathogenic (PMID: 20300565). This suggests that this residue is clinically significant, and that variants that disrupt this residue are likely to be disease-causing. In summary, the currently available evidence indicates that the variant is pathogenic, but additional data are needed to prove that conclusively. Therefore, this variant has been classified as Likely Pathogenic.

Blueprint Genetics
Classification: Likely pathogenic for TRPM1-related disorders. Last evaluated: 2022-09-02. Review status: criteria provided, single submitter. Criteria: ACMG Guidelines, 2015. Collection method: clinical testing. Allele origin: germline. Affected: yes. Observed: 5 variant alleles.

Literature cited by the submitters: PubMed 29522070 (cited by Labcorp Genetics (formerly Invitae), Labcorp); PubMed 20300565 (cited by Labcorp Genetics (formerly Invitae), Labcorp).